The following is an entry in ClinVar:

NM_024753.5(TTC21B):c.3358G>A (p.Val1120Ile)

Gene: TTC21B (tetratricopeptide repeat domain 21B; minus strand). Cytogenetic location: 2q24.3.
Variant type: single nucleotide variant.
Coding change: c.3358G>A on transcript NM_024753.5 (MANE Select); coding-DNA position 3358, G replaced by A.
Protein change: p.Val1120Ile; replaces valine 1120 with isoleucine.
Molecular consequence: missense variant.
Genome position (GRCh38, 1-based): chr2:165,888,380, C>T on the plus strand (G>A on the coding strand, the complement: TTC21B is on the minus strand). VCF-style: chr2-165888380-C-T. GRCh37 (hg19) VCF-style: chr2-166744890-C-T.
Other names: c.3358G>A (NM_024753.3, NM_024753.4); short protein forms V1120I.
Identifiers: ClinVar variation 1376509 (VCV001376509.10), dbSNP rs746123823, ClinGen allele CA1941527.

ClinVar aggregate classification (germline): Uncertain significance. Review status: criteria provided, multiple submitters, no conflicts (2 of 4 stars). 5 submissions from 5 submitters: Uncertain significance (5). Last evaluated 2026-06-18.

Conditions:
Nephronophthisis. Also called: Juvenile Nephronophthisis. Identifiers: Orphanet 655, MedGen C0687120, MONDO:0019005, HP:0000090.
Jeune thoracic dystrophy. Also called: Jeune syndrome; Infantile thoracic dystrophy; Thoracic pelvic phalangeal dystrophy; Jeune's syndrome; Chondroectodermal dysplasia-like syndrome; Short-rib thoracic dysplasia. Identifiers: Orphanet 474, MedGen C0265275, MONDO:0018770.
Nephronophthisis 12 (NPHP12). Identifiers: Orphanet 655, MedGen C3151186, MONDO:0013442, OMIM 613820.
Asphyxiating thoracic dystrophy 4 (SRTD4). Also called: SHORT-RIB THORACIC DYSPLASIA 4 WITH OR WITHOUT POLYDACTYLY; SHORT-RIB THORACIC DYSPLASIA 4. Identifiers: Orphanet 474, MedGen C3151185, MONDO:0013441, OMIM 613819.
Inborn genetic diseases. Identifiers: MedGen C0950123, MeSH D030342.
TTC21B-related disorder. Also called: TTC21B-related disorders; TTC21B-related condition.

Allele frequency attached by ClinVar (database versions not stated): TOPMed below 0.00001; gnomAD 0.00001; ExAC 0.00002; gnomAD exomes 0.00002 and 0.00004.
gnomAD v4.1: 38 of 1,613,684 alleles (0.0024%); highest among the groups gnomAD compares: South Asian, 0.018%; no homozygotes.

Submissions (5):

PreventionGenetics, part of Exact Sciences
Classification: Uncertain significance for TTC21B-related condition. Last evaluated: 2026-06-18. Review status: criteria provided, single submitter. Criteria: ACMG Guidelines, 2015. Collection method: clinical testing. Allele origin: germline.
Comment: The TTC21B c.3358G>A variant is predicted to result in the amino acid substitution p.Val1120Ile. To our knowledge, this variant has not been reported in the literature. This variant is reported in 0.016% of alleles in individuals of South Asian descent in gnomAD. At this time, the clinical significance of this variant is uncertain due to the absence of conclusive functional and genetic evidence.

Ambry Genetics
Classification: Uncertain significance for Inborn genetic diseases. Last evaluated: 2025-08-06. Review status: criteria provided, single submitter. Criteria: Ambry Variant Classification Scheme 2023. Collection method: clinical testing. Allele origin: germline.

Labcorp Genetics (formerly Invitae), Labcorp
Classification: Uncertain significance for Jeune thoracic dystrophy; Nephronophthisis. Last evaluated: 2024-10-25. Review status: criteria provided, single submitter. Criteria: Invitae Variant Classification Sherloc (09022015). Collection method: clinical testing. Allele origin: germline.
Comment: This sequence change replaces valine, which is neutral and non-polar, with isoleucine, which is neutral and non-polar, at codon 1120 of the TTC21B protein (p.Val1120Ile). This variant is present in population databases (rs746123823, gnomAD 0.02%). This variant has not been reported in the literature in individuals affected with TTC21B-related conditions. ClinVar contains an entry for this variant (Variation ID: 1376509). Invitae Evidence Modeling of protein sequence and biophysical properties (such as structural, functional, and spatial information, amino acid conservation, physicochemical variation, residue mobility, and thermodynamic stability) indicates that this missense variant is not expected to disrupt TTC21B protein function with a negative predictive value of 95%. In summary, the available evidence is currently insufficient to determine the role of this variant in disease. Therefore, it has been classified as a Variant of Uncertain Significance.

Blueprint Genetics
Classification: Uncertain significance. Last evaluated: 2024-07-23. Review status: criteria provided, single submitter. Criteria: ACMG Guidelines, 2015. Collection method: clinical testing. Allele origin: germline.

Fulgent Genetics
Classification: Uncertain significance for Asphyxiating thoracic dystrophy 4; Nephronophthisis 12. Last evaluated: 2024-04-08. Review status: criteria provided, single submitter. Criteria: ACMG Guidelines, 2015. Collection method: clinical testing. Allele origin: germline.